The following is an entry in ClinVar:

NM_000186.4(CFH):c.83_86del (p.Arg28fs)

Gene: CFH (complement factor H; plus strand). Cytogenetic location: 1q31.3.
Variant type: Deletion.
Coding change: c.83_86del on transcript NM_000186.4 (MANE Select); coding-DNA positions 83 to 86, 4 bases deleted (GAAA; older notation c.83_86delGAAA).
Protein change: p.Arg28fs; shifts the reading frame from arginine 28.
Molecular consequence: frameshift variant.
Genome position (GRCh38, 1-based): chr1:196,673,002-196,673,005, GAAA deleted; deleting any 4 consecutive bases within chr1:196,673,000-196,673,005 gives the same sequence; the c. name uses the placement nearest the transcript's 3' end. VCF-style (leftmost placement, unchanged base first): chr1-196672999-GAAGA-G. GRCh37 (hg19) VCF-style: chr1-196642129-GAAGA-G.
Other names: c.83_86del, p.Arg28fs (NM_001014975.3); short protein forms R28fs.
Identifiers: ClinVar variation 16552 (VCV000016552.2), dbSNP rs796052137, ClinGen allele CA257509.
Genomic context (GRCh38, chr1:196,672,999, plus strand): 5'-AGACACTTTATGCACTTATTTTGTTTTTATTGTTTGTAGATTGCAATGAACTTCCTCCAA[GAAGA>G]AATACAGAAATTCTGACAGGTTCCTGGTCTGACCAAACATATCCAGAAGGCACCCAGGCT-3'

ClinVar aggregate classification (germline): Pathogenic, low penetrance. Review status: criteria provided, single submitter (1 of 4 stars). 2 submissions from 2 submitters: Pathogenic, low penetrance (1). 1 of the submissions does not count toward it. Last evaluated 2025-10-02.

Conditions:
Atypical hemolytic-uremic syndrome. Identifiers: Orphanet 2134, MedGen C2931788, MONDO:0016244.
Hemolytic uremic syndrome, atypical, susceptibility to, 1. Also called: AHUS, SUSCEPTIBILITY TO, 1. Identifiers: Orphanet 2134, Orphanet 90038, MedGen C2749604, MONDO:0009335, OMIM 235400. Disease mechanism: Other.

Submissions (2):

Genomenon, Inc
Classification: Pathogenic, low penetrance for Atypical hemolytic-uremic syndrome. Last evaluated: 2025-10-02. Review status: criteria provided, single submitter. Criteria: Genomenon Sequence Variant Interpretation Standards - Updated. Collection method: curation. Allele origin: germline. Affected: yes.
Comment: CFH p.Arg28IlefsTer5 (c.83_86del) is a frameshift variant that results in the production of a truncated protein which may be subject to nonsense-mediated mRNA decay. This variant has been observed in at least one proband affected with atypical hemolytic-uremic syndrome (PMID:9551389). It is absent or not present at a significant frequency in gnomAD. In conclusion, we classify CFH p.Arg28IlefsTer5 (c.83_86del) as a pathogenic, low penetrance variant.

OMIM
Classification: risk factor for HEMOLYTIC UREMIC SYNDROME, ATYPICAL, SUSCEPTIBILITY TO, 1. Last evaluated: 1998-04-01. Review status: no assertion criteria provided. Collection method: literature only. Allele origin: germline. Not counted in ClinVar's aggregate classification.

Literature cited by the submitters: PubMed 9551389 (cited by Genomenon, Inc and OMIM).